The following continues an entry in ClinVar:

NM_002473.6(MYH9):c.5521G>A (p.Glu1841Lys)

Gene: MYH9. ClinVar aggregate classification (germline): Pathogenic/Likely pathogenic. Pathogenic (14); Likely pathogenic (1).

Submissions 12 to 17 of 17:

ARUP Laboratories, Molecular Genetics and Genomics, ARUP Laboratories
Classification: Likely pathogenic. Last evaluated: 2022-04-29. Review status: criteria provided, single submitter. Criteria: ARUP Molecular Germline Variant Investigation Process 2021. Collection method: clinical testing. Allele origin: germline.
Comment: The MYH9 c.5521G>A; p.Glu1841Lys variant (rs80338834) is one of the most common MYH9 variants reported in individuals affected with MYH9-related disorders (Hao 2012, Heath 2001, Natesirinilkul 2021, Seri 2000). Pecci et al (2014) reported that in general this variant is not associated with noncongenital manifestations, although others have reported renal and auditory features (Hao 2012). Functional analyses have shown that the variant protein has altered morphology and function (Cechova 2018, Franke 2005, Pal 2020, Zhang 2012). This variant is reported in ClinVar (Variation ID: 14073). It is absent from the Genome Aggregation Database, indicating it is not a common polymorphism. The glutamate at codon 1841 is highly conserved, and computational analyses predict that this variant is deleterious (REVEL: 0.912). Based on available information, this variant is considered to be likely pathogenic. References: Cechova S et al. MYH9 E1841K Mutation Augments Proteinuria and Podocyte Injury and Migration. J Am Soc Nephrol. 2018 Jan;29(1):155-167. PMID: 28993503. Franke JD et al. Rod mutations associated with MYH9-related disorders disrupt nonmuscle myosin-IIA assembly. Blood. 2005 Jan 1;105(1):161-9. PMID: 15339844. Hao J et al. A large family with MYH9 disorder caused by E1841K mutation suffering from serious kidney and hearing impairment and cataracts. Ann Hematol. 2012 Jul;91(7):1147-8. PMID: 22080149. Heath KE et al. Nonmuscle myosin heavy chain IIA mutations define a spectrum of autosomal dominant macrothrombocytopenias: May-Hegglin anomaly and Fechtner, Sebastian, Epstein, and Alport-like syndromes. Am J Hum Genet. 2001 Nov;69(5):1033-45. PMID: 11590545. Natesirinilkul R et al. MYH9 disorder: Identification and a novel mutation in patients with macrothrombocytopenia. Pediatr Blood Cancer. 2021 Jul;68(7):e29055. PMID: 33855781. Pal K et al. Megakaryocyte migration defects due to nonmuscle myosin IIA mutations underlie thrombocytopenia in MYH9-related disease. Blood. 2020 May 21;135(21):1887-1898. PMID: 32315395. Pecci A et al. MYH9-related disease: a novel prognostic model to predict the clinical evolution of the disease based on genotype-phenotype correlations. Hum Mutat. 2014 Feb;35(2):236-47. PMID: 24186861. Seri M et al. Mutations in MYH9 result in the May-Hegglin anomaly, and Fechtner and Sebastian syndromes. The May-Heggllin/Fechtner Syndrome Consortium. Nat Genet. 2000 Sep;26(1):103-5. PMID: 10973259. Zhang Y et al. Mouse models of MYH9-related disease: mutations in nonmuscle myosin II-A. Blood. 2012 Jan 5;119(1):238-50. PMID: 21908426.

Genetics and Molecular Pathology, SA Pathology
Classification: Pathogenic for Autosomal dominant nonsyndromic hearing loss 17. Last evaluated: 2020-11-27. Review status: criteria provided, single submitter. Criteria: ACMG Guidelines, 2015. Collection method: clinical testing. Allele origin: germline. Inheritance: Autosomal dominant inheritance. Affected: yes.

NIHR Bioresource Rare Diseases, University of Cambridge
Classification: Pathogenic for MYH9-related disorder. Last evaluated: 2018-12-12. Review status: criteria provided, single submitter. Criteria: ACMG Guidelines, 2015. Collection method: research. Allele origin: unknown. Inheritance: Autosomal dominant inheritance. Affected: yes. Observed: 2 variant alleles, 2 heterozygotes.
Comment: PS4, PP1_strong, PM2, PP4, PP3

ISTH-SSC Genomics in Thrombosis and Hemostasis, KU Leuven, Center for Molecular and Vascular Biology
Classification: Pathogenic for Macrothrombocytopenia and granulocyte inclusions with or without nephritis or sensorineural hearing loss. Review status: criteria provided, single submitter. Criteria: ACMG Guidelines, 2015. Collection method: clinical testing. Allele origin: germline. Affected: yes. Observed: 1 heterozygote.
Comment: Submitted to GoldVariant by Jose María Bastida and José Rivera; Grupo Español de Alteraciones Plaquetarias Congénitas (GEAPC)

OMIM
Classification: Pathogenic for MACROTHROMBOCYTOPENIA AND GRANULOCYTE INCLUSIONS WITH OR WITHOUT NEPHRITIS OR SENSORINEURAL HEARING LOSS. Last evaluated: 2001-11-01. Review status: no assertion criteria provided. Collection method: literature only. Allele origin: germline. Not counted in ClinVar's aggregate classification.

GeneReviews
No classification provided. Condition: Macrothrombocytopenia and granulocyte inclusions with or without nephritis or sensorineural hearing loss. Review status: no classification provided. Collection method: literature only. Allele origin: germline. Not counted in ClinVar's aggregate classification.
Comment: Associated with thrombocytopenia, but low risk of developing other disease manifestations over time

Literature cited by the submitters: PubMed 10973259 (cited by 4 submitters); PubMed 11159552 (cited by Labcorp Genetics (formerly Invitae), Labcorp); PubMed 23207509 (cited by Labcorp Genetics (formerly Invitae), Labcorp); PubMed 15339844 (cited by 3 submitters); PubMed 11590545 (cited by 3 submitters); PubMed 11776386 (cited by Mayo Clinic Laboratories, Mayo Clinic); PubMed 12533692 (cited by Mayo Clinic Laboratories, Mayo Clinic); PubMed 16098078 (cited by Mayo Clinic Laboratories, Mayo Clinic); PubMed 20174760 (cited by Mayo Clinic Laboratories, Mayo Clinic); PubMed 21542825 (cited by Mayo Clinic Laboratories, Mayo Clinic); PubMed 21908426 (cited by Mayo Clinic Laboratories, Mayo Clinic); PubMed 22558294 (cited by Mayo Clinic Laboratories, Mayo Clinic); PubMed 24186861 (cited by Mayo Clinic Laboratories, Mayo Clinic and 3billion); PubMed 26226608 (cited by Mayo Clinic Laboratories, Mayo Clinic); PubMed 26247237 (cited by Mayo Clinic Laboratories, Mayo Clinic); PubMed 27353381 (cited by Mayo Clinic Laboratories, Mayo Clinic); PubMed 28368695 (cited by Mayo Clinic Laboratories, Mayo Clinic); PubMed 28714588 (cited by Mayo Clinic Laboratories, Mayo Clinic); PubMed 29679756 (cited by Mayo Clinic Laboratories, Mayo Clinic); PubMed 33855781 (cited by Mayo Clinic Laboratories, Mayo Clinic); PubMed 39309229 (cited by Mayo Clinic Laboratories, Mayo Clinic); PubMed 39309903 (cited by Mayo Clinic Laboratories, Mayo Clinic); PubMed 8280620 (cited by Mayo Clinic Laboratories, Mayo Clinic and OMIM); PubMed 9704798 (cited by Mayo Clinic Laboratories, Mayo Clinic); PubMed 10973260 (cited by Women's Health and Genetics/Laboratory Corporation of America, LabCorp and OMIM); NCBI Bookshelf NBK2689 (cited by GeneReviews).